The following is an entry in ClinVar:

NM_000712.4(BLVRA):c.481C>T (p.Arg161Trp)

Gene: BLVRA (biliverdin reductase A; plus strand). Cytogenetic location: 7p13.
Variant type: single nucleotide variant.
Coding change: c.481C>T on transcript NM_000712.4 (MANE Select); coding-DNA position 481, C replaced by T.
Protein change: p.Arg161Trp; replaces arginine 161 with tryptophan.
Molecular consequence: missense variant.
Genome position (GRCh38, 1-based): chr7:43,803,696, C>T. VCF-style: chr7-43803696-C-T. GRCh37 (hg19) VCF-style: chr7-43843295-C-T.
Other names: c.481C>T, p.Arg161Trp (NM_001253823.2); short protein forms R161W.
Identifiers: ClinVar variation 2594515 (VCV002594515.4), dbSNP rs377670975, ClinGen allele CA4234128.

ClinVar aggregate classification (germline): Uncertain significance. Review status: criteria provided, multiple submitters, no conflicts (2 of 4 stars). 2 submissions from 2 submitters: Uncertain significance (2). Last evaluated 2024-08-20.

Allele frequency attached by ClinVar (database versions not stated): gnomAD 0.00001; TOPMed 0.00002; ExAC 0.00003; gnomAD exomes 0.00003; ESP Exome Variant Server 0.00008.
gnomAD v4.1: 51 of 1,613,232 alleles (0.0032%); highest among the groups gnomAD compares: East Asian, 0.0089%; no homozygotes.

Submissions (2):

Labcorp Genetics (formerly Invitae), Labcorp
Classification: Uncertain significance. Last evaluated: 2024-08-20. Review status: criteria provided, single submitter. Criteria: Invitae Variant Classification Sherloc (09022015). Collection method: clinical testing. Allele origin: germline.
Comment: This sequence change replaces arginine, which is basic and polar, with tryptophan, which is neutral and slightly polar, at codon 161 of the BLVRA protein (p.Arg161Trp). This variant is present in population databases (rs377670975, gnomAD 0.02%). This variant has not been reported in the literature in individuals affected with BLVRA-related conditions. ClinVar contains an entry for this variant (Variation ID: 2594515). An algorithm developed to predict the effect of missense changes on protein structure and function (PolyPhen-2) suggests that this variant is likely to be disruptive. In summary, the available evidence is currently insufficient to determine the role of this variant in disease. Therefore, it has been classified as a Variant of Uncertain Significance.

Ambry Genetics
Classification: Uncertain significance. Last evaluated: 2023-06-16. Review status: criteria provided, single submitter. Criteria: Ambry Variant Classification Scheme 2023. Collection method: clinical testing. Allele origin: germline.